The following is an entry in ClinVar:

NM_025009.5(CEP135):c.878A>G (p.Glu293Gly)

Gene: CEP135 (centrosomal protein 135; plus strand). Cytogenetic location: 4q12.
Variant type: single nucleotide variant.
Coding change: c.878A>G on transcript NM_025009.5 (MANE Select); coding-DNA position 878, A replaced by G.
Protein change: p.Glu293Gly; replaces glutamic acid 293 with glycine.
Molecular consequence: missense variant.
Genome position (GRCh38, 1-based): chr4:55,965,693, A>G. VCF-style: chr4-55965693-A-G. GRCh37 (hg19) VCF-style: chr4-56831859-A-G.
Other names: c.878A>G (NM_025009.3); short protein forms E293G.
Identifiers: ClinVar variation 1312031 (VCV001312031.4), dbSNP rs779910712, ClinGen allele CA2927703.

ClinVar aggregate classification (germline): Uncertain significance. Review status: criteria provided, multiple submitters, no conflicts (2 of 4 stars). 2 submissions from 2 submitters: Uncertain significance (2). Last evaluated 2025-06-24.

Conditions:
Inborn genetic diseases. Identifiers: MedGen C0950123, MeSH D030342.

Allele frequency attached by ClinVar (database versions not stated): TOPMed 0.00002; gnomAD 0.00003; gnomAD exomes 0.00001 and 0.00002; ExAC 0.00002.
gnomAD v4.1: 17 of 1,613,740 alleles (0.0011%); highest among the groups gnomAD compares: Admixed American, 0.028%; no homozygotes.

Submissions (2):

Ambry Genetics
Classification: Uncertain significance for Inborn genetic diseases. Last evaluated: 2025-06-24. Review status: criteria provided, single submitter. Criteria: Ambry Variant Classification Scheme 2023. Collection method: clinical testing. Allele origin: germline.

GeneDx
Classification: Uncertain significance. Last evaluated: 2025-06-01. Review status: criteria provided, single submitter. Criteria: GeneDx Variant Classification Process June 2021. Collection method: clinical testing. Allele origin: germline. Affected: yes.
Comment: Not observed at significant frequency in large population cohorts (gnomAD); In silico analysis supports that this missense variant has a deleterious effect on protein structure/function; Has not been previously published as pathogenic or benign to our knowledge